The following is an entry in ClinVar:

NM_002474.3(MYH11):c.5055G>C (p.Leu1685Phe)

Genes: MYH11 (myosin heavy chain 11; minus strand), NDE1 (nudE neurodevelopment protein 1; plus strand). Cytogenetic location: 16p13.11.
Variant type: single nucleotide variant.
Coding change: c.5055G>C on transcript NM_002474.3 (MANE Select); coding-DNA position 5055, G replaced by C.
Protein change: p.Leu1685Phe; replaces leucine 1685 with phenylalanine.
Molecular consequence: missense variant. On other transcripts: intron variant (2).
Genome position (GRCh38, 1-based): chr16:15,719,612, C>G on the plus strand (G>C on the coding strand, the complement: MYH11 is on the minus strand). VCF-style: chr16-15719612-C-G. GRCh37 (hg19) VCF-style: chr16-15813469-C-G.
Other names: c.5076G>C, p.Leu1692Phe (NM_001040113.2, NM_001040114.2); c.5055G>C, p.Leu1685Phe (NM_022844.3); c.948-4579C>G (NM_001143979.2, NM_017668.3); short protein forms L1685F, L1692F.
Identifiers: ClinVar variation 660913 (VCV000660913.15), dbSNP rs754570649, ClinGen allele CA7921463.

ClinVar aggregate classification (germline): Uncertain significance. Review status: criteria provided, multiple submitters, no conflicts (2 of 4 stars). 4 submissions from 4 submitters: Uncertain significance (4). Last evaluated 2025-04-29.

Conditions:
Familial thoracic aortic aneurysm and aortic dissection (TAAD). Also called: Thoracic aortic aneurysms and dissections. Identifiers: Orphanet 91387, MedGen C4707243, MONDO:0019625.
Aortic aneurysm, familial thoracic 4 (AAT4). Also called: AORTIC ANEURYSM/AORTIC DISSECTION AND PATENT DUCTUS ARTERIOSUS. Identifiers: MedGen C1851504, MONDO:0007568, OMIM 132900.

Allele frequency attached by ClinVar (database versions not stated): ExAC 0.00001; gnomAD 0.00001; TOPMed 0.00001.
gnomAD v4.1: 12 of 1,614,090 alleles (0.00074%); highest among the groups gnomAD compares: Non-Finnish European, 0.00093%; no homozygotes.

Submissions (4):

GeneDx
Classification: Uncertain significance. Last evaluated: 2025-04-29. Review status: criteria provided, single submitter. Criteria: GeneDx Variant Classification Process June 2021. Collection method: clinical testing. Allele origin: germline. Affected: yes.
Comment: Not observed at significant frequency in large population cohorts (gnomAD); In silico analysis supports that this missense variant has a deleterious effect on protein structure/function; Has not been previously published as pathogenic or benign to our knowledge

Color Diagnostics, LLC DBA Color Health
Classification: Uncertain significance for Familial thoracic aortic aneurysm and aortic dissection. Last evaluated: 2024-03-06. Review status: criteria provided, single submitter. Criteria: ACMG Guidelines, 2015. Collection method: clinical testing. Allele origin: germline.
Comment: This missense variant replaces leucine with phenylalanine at codon 1692 of the MYH11 protein. Computational prediction is inconclusive regarding the impact of this variant on protein structure and function (internally defined REVEL score threshold 0.5 < inconclusive < 0.7, PMID: 27666373). To our knowledge, functional studies have not been reported for this variant. This variant has not been reported in individuals affected with MYH11-related disorders in the literature. This variant has been identified in 3/282896 chromosomes in the general population by the Genome Aggregation Database (gnomAD). The available evidence is insufficient to determine the role of this variant in disease conclusively. Therefore, this variant is classified as a Variant of Uncertain Significance.

All of Us Research Program, National Institutes of Health
Classification: Uncertain significance for Familial thoracic aortic aneurysm and aortic dissection. Last evaluated: 2023-06-26. Review status: criteria provided, single submitter. Criteria: ACMG Guidelines, 2015. Collection method: clinical testing. Allele origin: germline. Inheritance: Autosomal dominant inheritance. Observed: 2 variant alleles, 2 heterozygotes.
Comment: This missense variant replaces leucine with phenylalanine at codon 1692 of the MYH11 protein. Computational prediction tool is inconclusive regarding the impact of this variant on protein structure and function (internally defined REVEL score threshold 0.5 < inconclusive < 0.7, PMID: 27666373). Splice site prediction tools suggest that this variant may not impact RNA splicing. To our knowledge, functional studies have not been performed for this variant. This variant has not been reported in individuals affected with cardiovascular disorders in the literature. This variant has been identified in 3/282896 chromosomes in the general population by the Genome Aggregation Database (gnomAD). The available evidence is insufficient to determine the role of this variant in disease conclusively. Therefore, this variant is classified as a Variant of Uncertain Significance.

This study involves interpretation of variants in research participants for the purpose of population health screening. Participant phenotype was not available at the time of variant classification. Additional details can be found in publication PMID: 35346344, PMCID: PMC8962531

Labcorp Genetics (formerly Invitae), Labcorp
Classification: Uncertain significance for Aortic aneurysm, familial thoracic 4. Last evaluated: 2021-05-31. Review status: criteria provided, single submitter. Criteria: Invitae Variant Classification Sherloc (09022015). Collection method: clinical testing. Allele origin: germline.
Comment: In summary, the available evidence is currently insufficient to determine the role of this variant in disease. Therefore, it has been classified as a Variant of Uncertain Significance. Algorithms developed to predict the effect of missense changes on protein structure and function are either unavailable or do not agree on the potential impact of this missense change (SIFT: "Deleterious"; PolyPhen-2: "Possibly Damaging"; Align-GVGD: "Class C0"). This variant has not been reported in the literature in individuals with MYH11-related disease. This variant is present in population databases (rs754570649, ExAC 0.001%). This sequence change replaces leucine with phenylalanine at codon 1692 of the MYH11 protein (p.Leu1692Phe). The leucine residue is highly conserved and there is a small physicochemical difference between leucine and phenylalanine.